The following is an entry in ClinVar:

ClinVar aggregate classification (germline): Uncertain significance (1 of 4 stars; one submission).

Submission:

Labcorp Genetics (formerly Invitae), Labcorp
Classification: Uncertain significance. Last evaluated: 2022-10-21. Review status: criteria provided, single submitter. Criteria: Invitae Variant Classification Sherloc (09022015). Collection method: clinical testing. Allele origin: germline.
Comment: In summary, the available evidence is currently insufficient to determine the role of this variant in disease. Therefore, it has been classified as a Variant of Uncertain Significance. This variant has not been reported in the literature in individuals affected with ABRAXAS1-related conditions. The frequency data for this variant in the population databases is considered unreliable, as metrics indicate poor data quality at this position in the gnomAD database. This sequence change creates a premature translational stop signal (p.Val233Trpfs*8) in the ABRAXAS1 gene. It is expected to result in an absent or disrupted protein product. However, the current clinical and genetic evidence is not sufficient to establish whether loss-of-function variants in ABRAXAS1 cause disease.

NM_139076.3(ABRAXAS1):c.696del (p.Val233fs)

Gene: ABRAXAS1 (abraxas 1, BRCA1 A complex subunit; minus strand). Cytogenetic location: 4q21.23.
Variant type: Deletion.
Coding change: c.696del on transcript NM_139076.3 (MANE Select); coding-DNA position 696, one base deleted (A; older notation c.696delA).
Protein change: p.Val233fs; shifts the reading frame from valine 233.
Molecular consequence: frameshift variant.
Genome position (GRCh38, 1-based): chr4:83,463,594, T deleted on the plus strand (A on the coding strand, the reverse complement: ABRAXAS1 is on the minus strand); the first of 6 consecutive T bases (chr4:83,463,594-83,463,599); deleting any one gives the same sequence. VCF-style (leftmost placement, unchanged base first): chr4-83463593-CT-C. GRCh37 (hg19) VCF-style: chr4-84384746-CT-C.
Other names: c.369del, p.Val124fs (NM_001345962.2); short protein forms V124fs, V233fs.
Identifiers: ClinVar variation 2066442 (VCV002066442.4), dbSNP rs1390153317, ClinGen allele CA552804818.